The following is an entry in ClinVar:

ClinVar aggregate classification (germline): Uncertain significance (1 of 4 stars; one submission).

Conditions:
Familial hemiplegic migraine. Identifiers: MedGen C0338484, MONDO:0000700.

Allele frequency attached by ClinVar (database versions not stated): gnomAD exomes below 0.00001.
gnomAD v4.1: 1 of 1,614,222 alleles (0.000062%); highest among the groups gnomAD compares: Non-Finnish European, 0.000085%; no homozygotes.

Submission:

Labcorp Genetics (formerly Invitae), Labcorp
Classification: Uncertain significance for Familial hemiplegic migraine. Last evaluated: 2023-09-15. Review status: criteria provided, single submitter. Criteria: Invitae Variant Classification Sherloc (09022015). Collection method: clinical testing. Allele origin: germline.
Comment: This variant has not been reported in the literature in individuals affected with ATP1A2-related conditions. In summary, the available evidence is currently insufficient to determine the role of this variant in disease. Therefore, it has been classified as a Variant of Uncertain Significance. Algorithms developed to predict the effect of sequence changes on RNA splicing suggest that this variant may create or strengthen a splice site. This variant is not present in population databases (gnomAD no frequency). This sequence change affects codon 870 of the ATP1A2 mRNA. It is a 'silent' change, meaning that it does not change the encoded amino acid sequence of the ATP1A2 protein.

NM_000702.4(ATP1A2):c.2610G>A (p.Leu870=)

Gene: ATP1A2 (ATPase Na+/K+ transporting subunit alpha 2; plus strand). Cytogenetic location: 1q23.2.
Variant type: single nucleotide variant.
Coding change: c.2610G>A on transcript NM_000702.4 (MANE Select); coding-DNA position 2610, G replaced by A.
Protein change: p.Leu870=; no amino-acid change (leucine 870 retained).
Molecular consequence: synonymous variant.
Genome position (GRCh38, 1-based): chr1:160,136,616, G>A. VCF-style: chr1-160136616-G-A. GRCh37 (hg19) VCF-style: chr1-160106406-G-A.
Identifiers: ClinVar variation 2760906 (VCV002760906.3), dbSNP rs2524891028, ClinGen allele CA421600525.